The following is an entry in ClinVar:

NM_001374385.1(ATP8B1):c.2940C>T (p.Tyr980=)

Genes: ATP8B1-AS1 (ATP8B1 antisense RNA 1; plus strand), ATP8B1 (ATPase phospholipid transporting 8B1; minus strand). Cytogenetic location: 18q21.31.
Variant type: single nucleotide variant.
Coding change: c.2940C>T on transcript NM_001374385.1 (MANE Select); coding-DNA position 2940, C replaced by T.
Protein change: p.Tyr980=; no amino-acid change (tyrosine 980 retained).
Molecular consequence: synonymous variant.
Genome position (GRCh38, 1-based): chr18:57,654,067, G>A on the plus strand (C>T on the coding strand, the complement: ATP8B1 is on the minus strand). VCF-style: chr18-57654067-G-A. GRCh37 (hg19) VCF-style: chr18-55321299-G-A.
Other names: c.2940C>T (NM_005603.4); c.2790C>T, p.Tyr930= (NM_001374386.1); c.2940C>T, p.Tyr980= (NM_005603.6).
Identifiers: ClinVar variation 2974509 (VCV002974509.5), dbSNP rs146453954, ClinGen allele CA8974112.

ClinVar aggregate classification (germline): Likely benign. Review status: criteria provided, single submitter (1 of 4 stars). 2 submissions from 2 submitters: Likely benign (1). 1 of the submissions does not count toward it. Last evaluated 2025-01-23.

Conditions:
ATP8B1-related disorder. Also called: ATP8B1-related disorders; ATP8B1-related condition.

Allele frequency attached by ClinVar (database versions not stated): gnomAD 0.00001; TOPMed 0.00002; ExAC 0.00004; ESP Exome Variant Server 0.00008.
gnomAD v4.1: 62 of 1,613,534 alleles (0.0038%); highest among the groups gnomAD compares: Non-Finnish European, 0.0028%; no homozygotes.

Submissions (2):

Labcorp Genetics (formerly Invitae), Labcorp
Classification: Likely benign. Last evaluated: 2025-01-23. Review status: criteria provided, single submitter. Criteria: Invitae Variant Classification Sherloc (09022015). Collection method: clinical testing. Allele origin: germline.

PreventionGenetics, part of Exact Sciences
Classification: Likely benign for ATP8B1-related condition. Last evaluated: 2021-04-21. Review status: no assertion criteria provided. Collection method: clinical testing. Allele origin: germline. Not counted in ClinVar's aggregate classification.
Comment: This variant is classified as likely benign based on ACMG/AMP sequence variant interpretation guidelines (Richards et al. 2015 PMID: 25741868, with internal and published modifications).